The following is an entry in ClinVar:

NM_000439.5(PCSK1):c.950G>C (p.Cys317Ser)

Genes: CAST (calpastatin; plus strand), PCSK1 (proprotein convertase subtilisin/kexin type 1; minus strand), LOC101929710 (uncharacterized LOC101929710; plus strand). Cytogenetic location: 5q15.
Variant type: single nucleotide variant.
Coding change: c.950G>C on transcript NM_000439.5 (MANE Select); coding-DNA position 950, G replaced by C.
Protein change: p.Cys317Ser; replaces cysteine 317 with serine.
Molecular consequence: missense variant. On other transcripts: intron variant (11).
Genome position (GRCh38, 1-based): chr5:96,410,919, C>G on the plus strand (G>C on the coding strand, the complement: PCSK1 is on the minus strand). VCF-style: chr5-96410919-C-G. GRCh37 (hg19) VCF-style: chr5-95746623-C-G.
Other names: c.809G>C, p.Cys270Ser (NM_001177875.2); c.-175+31267C>G (NM_001423254.1, NM_001423259.1, NM_001423255.1 and 6 more transcripts); c.-103+31267C>G (NM_001423253.1); c.-40+31267C>G (NM_001423258.1); short protein forms C317S, C270S.
Identifiers: ClinVar variation 4996759 (VCV004996759.1).
Genomic context (GRCh38, chr5:96,410,919, plus strand): 5'-TGCTGGGAGGCACTGCTGATGGAGATGGTGTAGATGCTGTCTGTGTAGCCATCACAGTCA[C>G]AATTATCTCCCTGACGCCCCCCGTTTCCCGAAGCCCAGACGAAGATGGACCCCTTCCCCT-3'
Protein context (NP_000430.3, residues 307-327): SGNGGRQGDN[Cys317Ser]DCDGYTDSIY

ClinVar aggregate classification (germline): Uncertain significance (1 of 4 stars; one submission).

Conditions:
PCSK1-related disorder. Also called: PCSK1-related condition.

Submission:

PreventionGenetics, part of Exact Sciences
Classification: Uncertain significance for PCSK1-related condition. Last evaluated: 2024-11-23. Review status: criteria provided, single submitter. Criteria: ACMG Guidelines, 2015. Collection method: clinical testing. Allele origin: germline.
Comment: The PCSK1 c.950G>C variant is predicted to result in the amino acid substitution p.Cys317Ser. To our knowledge, this variant has not been reported in the literature or in a large population database (gnomAD), indicating this variant is rare. At this time, the clinical significance of this variant is uncertain due to the absence of conclusive functional and genetic evidence.